The following is an entry in ClinVar:

ClinVar aggregate classification (germline): Uncertain significance. Review status: criteria provided, multiple submitters, no conflicts (2 of 4 stars). 2 submissions from 2 submitters: Uncertain significance (2). Last evaluated 2025-12-22.

Conditions:
Hereditary cancer-predisposing syndrome. Also called: Tumor predisposition; Neoplastic Syndromes, Hereditary; Hereditary neoplastic syndrome; Hereditary Cancer Syndrome. Identifiers: Orphanet 140162, MedGen C0027672, MeSH D009386, MONDO:0015356.

Submissions (2):

Labcorp Genetics (formerly Invitae), Labcorp
Classification: Uncertain significance. Last evaluated: 2025-12-22. Review status: criteria provided, single submitter. Criteria: Invitae Variant Classification Sherloc (09022015). Collection method: clinical testing. Allele origin: germline.
Comment: This sequence change replaces methionine, which is neutral and non-polar, with threonine, which is neutral and polar, at codon 487 of the POLE protein (p.Met487Thr). This variant is not present in population databases (gnomAD no frequency). This variant has not been reported in the literature in individuals affected with POLE-related conditions. ClinVar contains an entry for this variant (Variation ID: 848400). Invitae Evidence Modeling of protein sequence and biophysical properties (such as structural, functional, and spatial information, amino acid conservation, physicochemical variation, residue mobility, and thermodynamic stability) indicates that this missense variant is not expected to disrupt POLE protein function with a negative predictive value of 80%. In summary, the available evidence is currently insufficient to determine the role of this variant in disease. Therefore, it has been classified as a Variant of Uncertain Significance.

Ambry Genetics
Classification: Uncertain significance for Hereditary cancer-predisposing syndrome. Last evaluated: 2024-12-05. Review status: criteria provided, single submitter. Criteria: Ambry Variant Classification Scheme 2023. Collection method: clinical testing. Allele origin: germline.
Comment: The p.M487T variant (also known as c.1460T>C), located in coding exon 14 of the POLE gene, results from a T to C substitution at nucleotide position 1460. The methionine at codon 487 is replaced by threonine, an amino acid with similar properties. This amino acid position is highly conserved in available vertebrate species. In addition, the in silico prediction for this alteration is inconclusive. Based on the available evidence, the clinical significance of this variant remains unclear.

NM_006231.4(POLE):c.1460T>C (p.Met487Thr)

Gene: POLE (DNA polymerase epsilon, catalytic subunit; minus strand). Cytogenetic location: 12q24.33.
Variant type: single nucleotide variant.
Coding change: c.1460T>C on transcript NM_006231.4 (MANE Select); coding-DNA position 1460, T replaced by C.
Protein change: p.Met487Thr; replaces methionine 487 with threonine.
Molecular consequence: missense variant.
Genome position (GRCh38, 1-based): chr12:132,673,177, A>G on the plus strand (T>C on the coding strand, the complement: POLE is on the minus strand). VCF-style: chr12-132673177-A-G. GRCh37 (hg19) VCF-style: chr12-133249763-A-G.
Other names: c.1460T>C (NM_006231.2); short protein forms M487T.
Identifiers: ClinVar variation 848400 (VCV000848400.9), dbSNP rs2042969483, ClinGen allele CA387358106.